The following is an entry in ClinVar:

ClinVar aggregate classification (germline): Likely benign (0 of 4 stars; one submission).

Conditions:
TRPM3-related disorder. Also called: TRPM3-related condition.

Allele frequency attached by ClinVar (database versions not stated): gnomAD exomes 0.00003; ExAC 0.00010; 1000 Genomes Project 30x 0.00016; 1000 Genomes Project 0.00020; ESP Exome Variant Server 0.00038; gnomAD 0.00040; TOPMed 0.00048.
gnomAD v4.1: 123 of 1,613,418 alleles (0.0076%); highest among the groups gnomAD compares: African/African-American, 0.13%; no homozygotes.

Submission:

PreventionGenetics, part of Exact Sciences
Classification: Likely benign for TRPM3-related condition. Last evaluated: 2019-02-18. Review status: no assertion criteria provided. Collection method: clinical testing. Allele origin: germline.
Comment: This variant is classified as likely benign based on ACMG/AMP sequence variant interpretation guidelines (Richards et al. 2015 PMID: 25741868, with internal and published modifications).

NM_001366145.2(TRPM3):c.3224-8C>A

Gene: TRPM3 (transient receptor potential cation channel subfamily M member 3; minus strand). Cytogenetic location: 9q21.12.
Variant type: single nucleotide variant.
Coding change: c.3224-8C>A on transcript NM_001366145.2 (MANE Select); 8 bases into the intron before coding-DNA position 3224, C replaced by A.
Molecular consequence: intron variant.
Genome position (GRCh38, 1-based): chr9:70,553,318, G>T on the plus strand (C>A on the coding strand, the complement: TRPM3 is on the minus strand). VCF-style: chr9-70553318-G-T. GRCh37 (hg19) VCF-style: chr9-73168234-G-T.
Other names: c.3194-8C>A (NM_001366143.2, NM_001366141.2, NM_001366149.2); c.3230-8C>A (NM_001366142.2); c.3158-8C>A (NM_001366150.2); c.3188-8C>A (NM_001366151.2, NM_001007471.4); c.3224-8C>A (NM_001366146.2); c.3269-8C>A (NM_001366148.2); c.3299-8C>A (NM_001366152.2, NM_001366147.2); c.2699-8C>A (NM_206944.5); and 5 more.
Identifiers: ClinVar variation 3048099 (VCV003048099.2), dbSNP rs200861574, ClinGen allele CA5078094.